The following is an entry in ClinVar:

ClinVar aggregate classification (germline): Uncertain significance. Review status: criteria provided, multiple submitters, no conflicts (2 of 4 stars). 4 submissions from 4 submitters: Uncertain significance (4). Last evaluated 2026-04-22.

Conditions:
Paediatric disorders.

gnomAD v4.1: 1 of 852,204 alleles (0.00012%); highest among the groups gnomAD compares: Non-Finnish European, 0.00018%; no homozygotes.

Submissions (4):

NHS Central & South Genomic Laboratory Hub
Classification: Uncertain significance for Paediatric disorders. Last evaluated: 2026-04-22. Review status: criteria provided, single submitter. Criteria: ACMG Guidelines, 2015. Collection method: clinical testing. Allele origin: germline. Affected: yes.

Dasa
Classification: Uncertain significance. Last evaluated: 2025-08-28. Review status: criteria provided, single submitter. Criteria: DASA Assertion Criteria. Collection method: clinical testing. Allele origin: germline.
Comment: NM_014927.5(CNKSR2):c.741+4A>G is a splice-region variant predicted to affect normal RNA splicing. This variant is rare in population databases. Computational prediction algorithms are consistent with a deleterious effect. The currently available literature and clinical evidence are not sufficient to establish a definitive association between this variant and the reported condition. Therefore, this variant is classified as a variant of uncertain significance.

GeneDx
Classification: Uncertain significance. Last evaluated: 2022-11-23. Review status: criteria provided, single submitter. Criteria: GeneDx Variant Classification Process June 2021. Collection method: clinical testing. Allele origin: germline. Affected: yes.
Comment: Not observed at significant frequency in large population cohorts (gnomAD); In silico analysis supports that this variant does not alter splicing; Has not been previously published as pathogenic or benign to our knowledge

Blueprint Genetics
Classification: Uncertain significance. Last evaluated: 2021-01-15. Review status: criteria provided, single submitter. Criteria: ACMG Guidelines, 2015. Collection method: clinical testing. Allele origin: germline.

NM_014927.5(CNKSR2):c.741+4A>G

Gene: CNKSR2 (connector enhancer of kinase suppressor of Ras 2; plus strand). Cytogenetic location: Xp22.12.
Variant type: single nucleotide variant.
Coding change: c.741+4A>G on transcript NM_014927.5 (MANE Select); 4 bases into the intron after coding-DNA position 741, A replaced by G.
Molecular consequence: intron variant.
Genome position (GRCh38, 1-based): chrX:21,497,850, A>G. VCF-style: chrX-21497850-A-G. GRCh37 (hg19) VCF-style: chrX-21515968-A-G.
Other names: c.741+4A>G (NM_001168647.3, NM_001330770.2, NM_001330772.2 and 4 more transcripts).
Identifiers: ClinVar variation 2503168 (VCV002503168.5), dbSNP rs372333253, ClinGen allele CA2580616900.